The following is an entry in ClinVar:

NM_000368.5(TSC1):c.1169C>G (p.Thr390Ser)

Gene: TSC1 (TSC complex subunit 1; minus strand). Cytogenetic location: 9q34.13.
Variant type: single nucleotide variant.
Coding change: c.1169C>G on transcript NM_000368.5 (MANE Select); coding-DNA position 1169, C replaced by G.
Protein change: p.Thr390Ser; replaces threonine 390 with serine.
Molecular consequence: missense variant. On other transcripts: non-coding transcript variant (5).
Genome position (GRCh38, 1-based): chr9:132,910,665, G>C on the plus strand (C>G on the coding strand, the complement: TSC1 is on the minus strand). VCF-style: chr9-132910665-G-C. GRCh37 (hg19) VCF-style: chr9-135786052-G-C.
Other names: c.1166C>G, p.Thr389Ser (NM_001406608.1, NM_001406609.1, NM_001406599.1 and 6 more transcripts); c.1016C>G, p.Thr339Ser (NM_001406610.1, NM_001162427.2); c.1013C>G, p.Thr338Ser (NM_001406611.1, NM_001406612.1, NM_001406613.1); c.806C>G, p.Thr269Ser (NM_001406614.1, NM_001406615.1, NM_001406616.1 and 5 more transcripts); c.1169C>G, p.Thr390Ser (NM_001406601.1, NM_001406602.1, NM_001406605.1 and 7 more transcripts); c.803C>G, p.Thr268Ser (NM_001406620.1, NM_001406621.1, NM_001406622.1 and 2 more transcripts); c.218C>G, p.Thr73Ser (NM_001406626.1); c.215C>G, p.Thr72Ser (NM_001406627.1, NM_001406628.1); and 1 more; short protein forms T269S, T339S, T390S, T389S, T72S, T39S, T73S, T268S.
Identifiers: ClinVar variation 5031221 (VCV005031221.1).

ClinVar aggregate classification (germline): Uncertain significance (1 of 4 stars; one submission).

Conditions:
Hereditary cancer-predisposing syndrome. Also called: Neoplastic Syndromes, Hereditary; Tumor predisposition; Hereditary neoplastic syndrome; Hereditary Cancer Syndrome. Identifiers: Orphanet 140162, MedGen C0027672, MeSH D009386, MONDO:0015356.

Submission:

Ambry Genetics
Classification: Uncertain significance for Hereditary cancer-predisposing syndrome. Last evaluated: 2026-07-07. Review status: criteria provided, single submitter. Criteria: Ambry Variant Classification Scheme 2023. Collection method: clinical testing. Allele origin: germline.
Comment: The p.T390S variant (also known as c.1169C>G), located in coding exon 10 of the TSC1 gene, results from a C to G substitution at nucleotide position 1169. The threonine at codon 390 is replaced by serine, an amino acid with similar properties. This amino acid position is conserved. In addition, the in silico prediction for this alteration is inconclusive. Based on the available evidence, the clinical significance of this variant remains unclear.